The following is an entry in ClinVar:

ClinVar aggregate classification (germline): Uncertain significance (1 of 4 stars; one submission).

Allele frequency attached by ClinVar (database versions not stated): gnomAD 0.00001; TOPMed 0.00001; gnomAD exomes 0.00002.
gnomAD v4.1: 34 of 1,613,906 alleles (0.0021%); highest among the groups gnomAD compares: Non-Finnish European, 0.0028%; no homozygotes.

Submission:

Ambry Genetics
Classification: Uncertain significance. Last evaluated: 2024-11-11. Review status: criteria provided, single submitter. Criteria: Ambry Variant Classification Scheme 2023. Collection method: clinical testing. Allele origin: germline.
Comment: The p.S616P variant (also known as c.1846T>C), located in coding exon 12 of the POLQ gene, results from a T to C substitution at nucleotide position 1846. The serine at codon 616 is replaced by proline, an amino acid with similar properties. This amino acid position is conserved. In addition, the in silico prediction for this alteration is inconclusive. Since supporting evidence is limited at this time, the clinical significance of this alteration remains unclear.

NM_199420.4(POLQ):c.1846T>C (p.Ser616Pro)

Gene: POLQ (DNA polymerase theta; minus strand). Cytogenetic location: 3q13.33.
Variant type: single nucleotide variant.
Coding change: c.1846T>C on transcript NM_199420.4 (MANE Select); coding-DNA position 1846, T replaced by C.
Protein change: p.Ser616Pro; replaces serine 616 with proline.
Molecular consequence: missense variant.
Genome position (GRCh38, 1-based): chr3:121,509,674, A>G on the plus strand (T>C on the coding strand, the complement: POLQ is on the minus strand). VCF-style: chr3-121509674-A-G. GRCh37 (hg19) VCF-style: chr3-121228521-A-G.
Other names: short protein forms S616P.
Identifiers: ClinVar variation 2449014 (VCV002449014.3), dbSNP rs1269090397, ClinGen allele CA354113901.